The following is an entry in ClinVar:

ClinVar aggregate classification (germline): Uncertain significance (1 of 4 stars; one submission).

Conditions:
Autosomal dominant polycystic kidney disease. Identifiers: Orphanet 730, MedGen C0085413, MONDO:0004691.

Submission:

Labcorp Genetics (formerly Invitae), Labcorp
Classification: Uncertain significance for Autosomal dominant polycystic kidney disease. Last evaluated: 2023-12-20. Review status: criteria provided, single submitter. Criteria: Invitae Variant Classification Sherloc (09022015). Collection method: clinical testing. Allele origin: unknown.
Comment: A copy number gain of the genomic region encompassing the full coding sequence of the PKD2 gene has been identified. The boundaries of this event are unknown as they extend beyond the assayed region for this gene and therefore may encompass additional genes. As the precise location of this event is unknown, it may be in tandem or it may be located elsewhere in the genome. This variant has not been reported in the literature in individuals affected with PKD2-related conditions. In summary, the available evidence is currently insufficient to determine the role of this variant in disease. Therefore, it has been classified as a Variant of Uncertain Significance.

NC_000004.11:g.(?_88532061)_(89190078_?)dup

Genes: ABCG2 (ATP binding cassette subfamily G member 2 (JR blood group); minus strand), PPM1K (protein phosphatase, Mg2+/Mn2+ dependent 1K; minus strand), DSPP (dentin sialophosphoprotein; plus strand), SPP1 (secreted phosphoprotein 1; plus strand), MEPE (matrix extracellular phosphoglycoprotein; plus strand) and 3 more. Cytogenetic location: 4q22.1.
Variant type: Duplication.
Identifiers: ClinVar variation 3246698 (VCV003246698.1).